The following is an entry in ClinVar:

ClinVar aggregate classification (germline): Uncertain significance (1 of 4 stars; one submission).

Conditions:
Hereditary cancer-predisposing syndrome. Also called: Neoplastic Syndromes, Hereditary; Tumor predisposition; Hereditary neoplastic syndrome; Hereditary Cancer Syndrome. Identifiers: Orphanet 140162, MedGen C0027672, MeSH D009386, MONDO:0015356.

Submission:

Ambry Genetics
Classification: Uncertain significance for Hereditary cancer-predisposing syndrome. Last evaluated: 2026-08-31. Review status: criteria provided, single submitter. Criteria: Ambry Variant Classification Scheme 2023. Collection method: clinical testing. Allele origin: germline.
Comment: The p.N153K variant (also known as c.459C>G), located in coding exon 5 of the MITF gene, results from a C to G substitution at nucleotide position 459. The asparagine at codon 153 is replaced by lysine, an amino acid with similar properties. This amino acid position is conserved. In addition, this alteration is predicted to be tolerated by in silico analysis. Based on the available evidence, the clinical significance of this variant remains unclear.

NM_001354604.2(MITF):c.780C>G (p.Asn260Lys)

Gene: MITF (melanocyte inducing transcription factor; plus strand). Cytogenetic location: 3p13.
Variant type: single nucleotide variant.
Coding change: c.780C>G on transcript NM_001354604.2 (MANE Select); coding-DNA position 780, C replaced by G.
Protein change: p.Asn260Lys; replaces asparagine 260 with lysine.
Molecular consequence: missense variant.
Genome position (GRCh38, 1-based): chr3:69,949,068, C>G. VCF-style: chr3-69949068-C-G. GRCh37 (hg19) VCF-style: chr3-69998219-C-G.
Other names: c.291C>G, p.Asn97Lys (NM_198178.3); c.459C>G, p.Asn153Lys (NM_000248.4, NM_198158.3); c.624C>G, p.Asn208Lys (NM_001184967.2, NM_001354608.2); c.777C>G, p.Asn259Lys (NM_001354605.2, NM_001354606.2, NM_006722.3); c.729C>G, p.Asn243Lys (NM_001354607.2); c.780C>G, p.Asn260Lys (NM_198159.3); c.732C>G, p.Asn244Lys (NM_198177.3); short protein forms N259K, N260K, N208K, N244K, N97K, N243K, N153K.
Identifiers: ClinVar variation 5024490 (VCV005024490.1).